The following is an entry in ClinVar:

NM_001692.4(ATP6V1B1):c.368-1G>A

Gene: ATP6V1B1 (ATPase H+ transporting V1 subunit B1; plus strand). Cytogenetic location: 2p13.3.
Variant type: single nucleotide variant.
Coding change: c.368-1G>A on transcript NM_001692.4 (MANE Select); the canonical splice acceptor site of the intron before coding-DNA position 368, G replaced by A.
Molecular consequence: splice acceptor variant.
Genome position (GRCh38, 1-based): chr2:70,959,017, G>A. VCF-style: chr2-70959017-G-A. GRCh37 (hg19) VCF-style: chr2-71186147-G-A.
Identifiers: ClinVar variation 860982 (VCV000860982.8), dbSNP rs1680515946, ClinGen allele CA347181352.
Genomic context (GRCh38, chr2:70,959,017, plus strand): 5'-ACAGTAGTGAGGGACACAGGGCTAGCCTGAGCACCCTGCAACACTCCTCGTCCACCCTCA[G>A]GTCGGGTTTTCAATGGCTCCGGCAAGCCCATTGACAAGGGGCCAGTGGTCATGGCGGAGG-3'

ClinVar aggregate classification (germline): Likely pathogenic (1 of 4 stars; one submission).

Allele frequency attached by ClinVar (database versions not stated): gnomAD exomes below 0.00001.
gnomAD v4.1: 1 of 1,614,124 alleles (0.000062%); highest among the groups gnomAD compares: Non-Finnish European, 0.000085%; no homozygotes.

Submission:

Labcorp Genetics (formerly Invitae), Labcorp
Classification: Likely pathogenic. Last evaluated: 2022-06-13. Review status: criteria provided, single submitter. Criteria: Invitae Variant Classification Sherloc (09022015). Collection method: clinical testing. Allele origin: germline.
Comment: ClinVar contains an entry for this variant (Variation ID: 860982). Disruption of this splice site has been observed in individual(s) with ATP6V1B1-related conditions (PMID: 30076350). This variant is not present in population databases (gnomAD no frequency). This sequence change affects an acceptor splice site in intron 4 of the ATP6V1B1 gene. It is expected to disrupt RNA splicing. Variants that disrupt the donor or acceptor splice site typically lead to a loss of protein function (PMID: 16199547), and loss-of-function variants in ATP6V1B1 are known to be pathogenic (PMID: 9916796, 18368028). Algorithms developed to predict the effect of sequence changes on RNA splicing suggest that this variant may disrupt the consensus splice site. In summary, the currently available evidence indicates that the variant is pathogenic, but additional data are needed to prove that conclusively. Therefore, this variant has been classified as Likely Pathogenic.

Literature cited by the submitters: PubMed 30076350; PubMed 16199547; PubMed 9916796; PubMed 18368028.